The following is an entry in ClinVar:

ClinVar aggregate classification (germline): Uncertain significance (1 of 4 stars; one submission).

Conditions:
Tay-Sachs disease (TSD). Also called: HEXA DEFICIENCY; GM2 gangliosidosis, type 1; Hexosaminidase alpha-subunit deficiency (variant B); Sphingolipidosis, Tay-Sachs; HEXA Disorders; Hexosaminidase A Deficiency. Identifiers: Orphanet 845, MedGen C0039373, MONDO:0010100, OMIM 272800.

gnomAD v4.1: 1 of 1,613,706 alleles (0.000062%); highest among the groups gnomAD compares: Non-Finnish European, 0.000085%; no homozygotes.

Submission:

Labcorp Genetics (formerly Invitae), Labcorp
Classification: Uncertain significance for Tay-Sachs disease. Last evaluated: 2022-07-06. Review status: criteria provided, single submitter. Criteria: Invitae Variant Classification Sherloc (09022015). Collection method: clinical testing. Allele origin: germline.
Comment: This sequence change replaces serine, which is neutral and polar, with isoleucine, which is neutral and non-polar, at codon 3 of the HEXA protein (p.Ser3Ile). This variant is not present in population databases (gnomAD no frequency). This variant has not been reported in the literature in individuals affected with HEXA-related conditions. ClinVar contains an entry for this variant (Variation ID: 1434662). Algorithms developed to predict the effect of missense changes on protein structure and function are either unavailable or do not agree on the potential impact of this missense change (SIFT: "Deleterious"; PolyPhen-2: "Not Available"; Align-GVGD: "Class C0"). In summary, the available evidence is currently insufficient to determine the role of this variant in disease. Therefore, it has been classified as a Variant of Uncertain Significance.

NM_000520.6(HEXA):c.8G>T (p.Ser3Ile)

Gene: HEXA (hexosaminidase subunit alpha; minus strand). Cytogenetic location: 15q23.
Variant type: single nucleotide variant.
Coding change: c.8G>T on transcript NM_000520.6 (MANE Select); coding-DNA position 8, G replaced by T.
Protein change: p.Ser3Ile; replaces serine 3 with isoleucine.
Molecular consequence: missense variant. On other transcripts: non-coding transcript variant (1).
Genome position (GRCh38, 1-based): chr15:72,375,965, C>A on the plus strand (G>T on the coding strand, the complement: HEXA is on the minus strand). VCF-style: chr15-72375965-C-A. GRCh37 (hg19) VCF-style: chr15-72668306-C-A.
Other names: c.8G>T, p.Ser3Ile (NM_001318825.2); short protein forms S3I.
Identifiers: ClinVar variation 1434662 (VCV001434662.4), dbSNP rs374524755, ClinGen allele CA393070885.